The following is an entry in ClinVar:

ClinVar aggregate classification (germline): Uncertain significance. Review status: criteria provided, multiple submitters, no conflicts (2 of 4 stars). 2 submissions from 2 submitters: Uncertain significance (2). Last evaluated 2023-12-05.

Conditions:
Hereditary cancer-predisposing syndrome. Also called: Hereditary Cancer Syndrome; Neoplastic Syndromes, Hereditary; Tumor predisposition; Hereditary neoplastic syndrome. Identifiers: Orphanet 140162, MedGen C0027672, MeSH D009386, MONDO:0015356.

Allele frequency attached by ClinVar (database versions not stated): gnomAD exomes 0.00001.
gnomAD v4.1: 7 of 1,614,104 alleles (0.00043%); highest among the groups gnomAD compares: Non-Finnish European, 0.00059%; no homozygotes.

Submissions (2):

Color Diagnostics, LLC DBA Color Health
Classification: Uncertain significance for Hereditary cancer-predisposing syndrome. Last evaluated: 2023-12-05. Review status: criteria provided, single submitter. Criteria: ACMG Guidelines, 2015. Collection method: clinical testing. Allele origin: germline.
Comment: This missense variant replaces aspartic acid with glycine at codon 401 of the MSH6 protein. Computational prediction is inconclusive regarding the impact of this variant on protein structure and function (internally defined REVEL score threshold 0.5 < inconclusive < 0.7, PMID: 27666373). To our knowledge, functional studies have not been reported for this variant. This variant has not been reported in individuals affected with MSH6-related disorders in the literature. This variant has not been identified in the general population by the Genome Aggregation Database (gnomAD). The available evidence is insufficient to determine the role of this variant in disease conclusively. Therefore, this variant is classified as a Variant of Uncertain Significance.

Ambry Genetics
Classification: Uncertain significance for Hereditary cancer-predisposing syndrome. Last evaluated: 2021-07-27. Review status: criteria provided, single submitter. Criteria: Ambry Variant Classification Scheme 2023. Collection method: clinical testing. Allele origin: germline.
Comment: The p.D401G variant (also known as c.1202A>G), located in coding exon 4 of the MSH6 gene, results from an A to G substitution at nucleotide position 1202. The aspartic acid at codon 401 is replaced by glycine, an amino acid with similar properties. This amino acid position is well conserved in available vertebrate species. In addition, the in silico prediction for this alteration is inconclusive. Since supporting evidence is limited at this time, the clinical significance of this alteration remains unclear.

NM_000179.3(MSH6):c.1202A>G (p.Asp401Gly)

Gene: MSH6 (mutS homolog 6; plus strand). Cytogenetic location: 2p16.3.
Variant type: single nucleotide variant.
Coding change: c.1202A>G on transcript NM_000179.3 (MANE Select); coding-DNA position 1202, A replaced by G.
Protein change: p.Asp401Gly; replaces aspartic acid 401 with glycine.
Molecular consequence: missense variant.
Genome position (GRCh38, 1-based): chr2:47,799,185, A>G. VCF-style: chr2-47799185-A-G. GRCh37 (hg19) VCF-style: chr2-48026324-A-G.
Other names: c.812A>G, p.Asp271Gly (NM_001281492.2); c.296A>G, p.Asp99Gly (NM_001281493.2, NM_001281494.2); short protein forms D401G, D271G, D99G.
Identifiers: ClinVar variation 489961 (VCV000489961.9), dbSNP rs1553412623, ClinGen allele CA346743424.